The following is an entry in ClinVar:

ClinVar aggregate classification (germline): Uncertain significance (1 of 4 stars; one submission).

Submission:

Labcorp Genetics (formerly Invitae), Labcorp
Classification: Uncertain significance. Last evaluated: 2024-10-03. Review status: criteria provided, single submitter. Criteria: Invitae Variant Classification Sherloc (09022015). Collection method: clinical testing. Allele origin: germline.
Comment: This sequence change replaces glycine, which is neutral and non-polar, with valine, which is neutral and non-polar, at codon 242 of the LONP1 protein (p.Gly242Val). This variant is not present in population databases (gnomAD no frequency). This variant has not been reported in the literature in individuals affected with LONP1-related conditions. Invitae Evidence Modeling of protein sequence and biophysical properties (such as structural, functional, and spatial information, amino acid conservation, physicochemical variation, residue mobility, and thermodynamic stability) indicates that this missense variant is not expected to disrupt LONP1 protein function with a negative predictive value of 95%. In summary, the available evidence is currently insufficient to determine the role of this variant in disease. Therefore, it has been classified as a Variant of Uncertain Significance.

NM_004793.4(LONP1):c.725G>T (p.Gly242Val)

Gene: LONP1 (lon peptidase 1, mitochondrial; minus strand). Cytogenetic location: 19p13.3.
Variant type: single nucleotide variant.
Coding change: c.725G>T on transcript NM_004793.4 (MANE Select); coding-DNA position 725, G replaced by T.
Protein change: p.Gly242Val; replaces glycine 242 with valine.
Molecular consequence: missense variant. On other transcripts: non-coding transcript variant (1).
Genome position (GRCh38, 1-based): chr19:5,711,916, C>A on the plus strand (G>T on the coding strand, the complement: LONP1 is on the minus strand). VCF-style: chr19-5711916-C-A. GRCh37 (hg19) VCF-style: chr19-5711927-C-A.
Other names: c.533G>T, p.Gly178Val (NM_001276479.2); c.137G>T, p.Gly46Val (NM_001276480.1); short protein forms G46V, G178V, G242V.
Identifiers: ClinVar variation 3720937 (VCV003720937.2).